The following is an entry in ClinVar:

ClinVar aggregate classification (germline): Uncertain significance (1 of 4 stars; one submission).

Conditions:
Neurodevelopmental disorder with microcephaly, short stature, and speech delay (NEDMISS). Identifiers: MedGen C5774211, MONDO:0859285, OMIM 620027.

gnomAD v4.1: 3 of 1,614,026 alleles (0.00019%); highest among the groups gnomAD compares: South Asian, 0.0011%; no homozygotes.

Submission:

Kasturba Medical College, Manipal, Kasturba Medical College, Manipal, Manipal Academy of Higher Education, Manipal, India
Classification: Uncertain significance for Neurodevelopmental disorder with microcephaly, short stature, and speech delay. Review status: criteria provided, single submitter. Criteria: ACMG Guidelines, 2015. Collection method: research. Allele origin: biparental. Inheritance: Autosomal recessive inheritance. Affected: yes. Observed: 1 homozygote.
Comment: This variant is present in three individuals in heterozygous state and absent in homozygous state in gnomAD v4.1.0. This variant is absent in homozygous and/or heterozygous state in our in-house database of 3339 exomes. In silico analysis tools (CADD_phred, REVEL) are consistent in predicting the variant as damaging to TRAPPC10 protein function.

NM_003274.5(TRAPPC10):c.841G>A (p.Gly281Arg)

Gene: TRAPPC10 (trafficking protein particle complex subunit 10; plus strand). Cytogenetic location: 21q22.3.
Variant type: single nucleotide variant.
Coding change: c.841G>A on transcript NM_003274.5 (MANE Select); coding-DNA position 841, G replaced by A.
Protein change: p.Gly281Arg; replaces glycine 281 with arginine.
Molecular consequence: missense variant.
Genome position (GRCh38, 1-based): chr21:44,063,588, G>A. VCF-style: chr21-44063588-G-A. GRCh37 (hg19) VCF-style: chr21-45483469-G-A.
Other names: short protein forms G281R.
Identifiers: ClinVar variation 4073563 (VCV004073563.1).